The following is an entry in ClinVar:

ClinVar aggregate classification (germline): Likely benign (1 of 4 stars; one submission).

Allele frequency attached by ClinVar (database versions not stated): gnomAD exomes below 0.00001; TOPMed below 0.00001; gnomAD 0.00001.
gnomAD v4.1: 8 of 1,593,594 alleles (0.0005%); highest among the groups gnomAD compares: East Asian, 0.0023%; no homozygotes.

Submission:

CeGaT Center for Human Genetics Tuebingen
Classification: Likely benign. Last evaluated: 2022-12-01. Review status: criteria provided, single submitter. Criteria: CeGaT Center For Human Genetics Tuebingen Variant Classification Criteria Version 2. Collection method: clinical testing. Allele origin: germline. Affected: yes. Observed: 1 variant allele.
Comment: MAPK8IP3: BP4, BP7

NM_001318852.2(MAPK8IP3):c.1974C>T (p.Asp658=)

Gene: MAPK8IP3 (mitogen-activated protein kinase 8 interacting protein 3; plus strand). Cytogenetic location: 16p13.3.
Variant type: single nucleotide variant.
Coding change: c.1974C>T on transcript NM_001318852.2 (MANE Select); coding-DNA position 1974, C replaced by T.
Protein change: p.Asp658=; no amino-acid change (aspartic acid 658 retained).
Molecular consequence: synonymous variant.
Genome position (GRCh38, 1-based): chr16:1,763,732, C>T. VCF-style: chr16-1763732-C-T. GRCh37 (hg19) VCF-style: chr16-1813733-C-T.
Other names: c.1953C>T, p.Asp651= (NM_001040439.2); c.1971C>T, p.Asp657= (NM_015133.5, NM_033392.3).
Identifiers: ClinVar variation 2645922 (VCV002645922.24), dbSNP rs778057695, ClinGen allele CA7817086.